The following is an entry in ClinVar:

NM_001033855.3(DCLRE1C):c.550A>T (p.Ser184Cys)

Gene: DCLRE1C (DNA cross-link repair 1C; minus strand). Cytogenetic location: 10p13.
Variant type: single nucleotide variant.
Coding change: c.550A>T on transcript NM_001033855.3 (MANE Select); coding-DNA position 550, A replaced by T.
Protein change: p.Ser184Cys; replaces serine 184 with cysteine.
Molecular consequence: missense variant. On other transcripts: non-coding transcript variant (4).
Genome position (GRCh38, 1-based): chr10:14,934,508, T>A on the plus strand (A>T on the coding strand, the complement: DCLRE1C is on the minus strand). VCF-style: chr10-14934508-T-A. GRCh37 (hg19) VCF-style: chr10-14976507-T-A.
Other names: NM_001033855.3(DCLRE1C):c.550A>T; p.Ser184Cys; c.190A>T, p.Ser64Cys (NM_001033857.3, NM_001033858.3, NM_001289077.2 and 2 more transcripts); c.205A>T, p.Ser69Cys (NM_001289076.2, NM_001289078.2, NM_001350966.2 and 1 more transcripts); c.550A>T, p.Ser184Cys (NM_001350965.2); short protein forms S184C, S64C, S69C.
Identifiers: ClinVar variation 299320 (VCV000299320.9), dbSNP rs373675907, ClinGen allele CA5416784.

ClinVar aggregate classification (germline): Uncertain significance. Review status: reviewed by expert panel (3 of 4 stars). 4 submissions from 4 submitters: Uncertain significance (1). 3 of the submissions do not count toward it. Last evaluated 2024-06-13.

Conditions:
Inborn genetic diseases. Identifiers: MedGen C0950123, MeSH D030342.
Histiocytic medullary reticulosis. Also called: SEVERE COMBINED IMMUNODEFICIENCY WITH HYPEREOSINOPHILIA; Omenn syndrome. Identifiers: Orphanet 39041, MedGen C2700553, MONDO:0011338, OMIM 603554.
Severe combined immunodeficiency due to DCLRE1C deficiency (RS-SCID). Also called: SCID, AUTOSOMAL RECESSIVE, T CELL-NEGATIVE, B CELL-NEGATIVE, NK CELL-POSITIVE, WITH SENSITIVITY TO IONIZING RADIATION. Identifiers: Orphanet 275, MedGen C1865371, MONDO:0011225, OMIM 602450.

Allele frequency attached by ClinVar (database versions not stated): TOPMed 0.00012; 1000 Genomes Project 30x 0.00031; ExAC 0.00006; gnomAD 0.00010 and 0.00007; gnomAD exomes 0.00007; ESP Exome Variant Server 0.00008; 1000 Genomes Project 0.00020.
gnomAD v4.1: 136 of 1,614,132 alleles (0.0084%); highest among the groups gnomAD compares: East Asian, 0.051%; 1 homozygote.

Submissions (4):

ClinGen Severe Combined Immunodeficiency Variant Curation Expert Panel, ClinGen
Classification: Uncertain significance for Severe combined immunodeficiency due to DCLRE1C deficiency. Last evaluated: 2024-06-13. Review status: reviewed by expert panel. Criteria: ClinGen SCID ACMG Specifications DCLRE1C V1.0.0. Collection method: curation. Allele origin: germline. Inheritance: Autosomal recessive inheritance.
Comment: The c.550A>T (NM_001033855.3) variant in DCLRE1C is a missense variant predicted to cause substitution of Serine by Cysteine at amino acid 184 (p.Ser184Cys). The filtering allele frequency (the upper threshold of the 95% CI of 23/44878 alleles) of the c.550A>T variant in DCLRE1C is 0.0003498 for East Asian chromosomes by gnomAD v4, which is lower than the SCID-VCEP threshold for BS1 (>0.00078) and BA1 (>0.00346) but higher than the threshold (<0.00003266) for PM2_Supporting (BS1 not met, BA1 not met, PM2_Supporting not met). There is one homozygous occurrence in gnomAD v4, BS2_Supporting. To our knowledge, this variant has not been reported in the literature in individuals affected with SCID/DCLRE1C-related conditions or in functional studies. In summary, this variant meets the criteria to be classified as a variant of uncertain significance for autosomal recessive severe combined immunodeficiency due to DCLRE1C deficiency based on the ACMG/AMP criteria applied, as specified by the ClinGen SCID VCEP: BS2_Supporting (VCEP specifications version 1).

Labcorp Genetics (formerly Invitae), Labcorp
Classification: Uncertain significance for Athabaskan severe combined immunodeficiency. Last evaluated: 2022-08-23. Review status: criteria provided, single submitter. Criteria: Invitae Variant Classification Sherloc (09022015). Collection method: clinical testing. Allele origin: germline. Not counted in ClinVar's aggregate classification.
Comment: This sequence change replaces serine, which is neutral and polar, with cysteine, which is neutral and slightly polar, at codon 184 of the DCLRE1C protein (p.Ser184Cys). This variant is present in population databases (rs373675907, gnomAD 0.04%). This variant has not been reported in the literature in individuals affected with DCLRE1C-related conditions. ClinVar contains an entry for this variant (Variation ID: 299320). Algorithms developed to predict the effect of missense changes on protein structure and function (SIFT, PolyPhen-2, Align-GVGD) all suggest that this variant is likely to be tolerated. In summary, the available evidence is currently insufficient to determine the role of this variant in disease. Therefore, it has been classified as a Variant of Uncertain Significance.

Ambry Genetics
Classification: Uncertain significance for Inborn genetic diseases. Last evaluated: 2021-09-14. Review status: criteria provided, single submitter. Criteria: Ambry Variant Classification Scheme 2023. Collection method: clinical testing. Allele origin: germline. Not counted in ClinVar's aggregate classification.

Illumina Laboratory Services, Illumina
Classification: Uncertain significance for Histiocytic medullary reticulosis. Last evaluated: 2018-01-12. Review status: criteria provided, single submitter. Criteria: ICSL Variant Classification Criteria 13 December 2019. Collection method: clinical testing. Allele origin: germline. Not counted in ClinVar's aggregate classification.